The following is an entry in ClinVar:

NM_000384.3(APOB):c.11084G>T (p.Ser3695Ile)

Gene: APOB (apolipoprotein B; minus strand). Cytogenetic location: 2p24.1.
Variant type: single nucleotide variant.
Coding change: c.11084G>T on transcript NM_000384.3 (MANE Select); coding-DNA position 11084, G replaced by T.
Protein change: p.Ser3695Ile; replaces serine 3695 with isoleucine.
Molecular consequence: missense variant.
Genome position (GRCh38, 1-based): chr2:21,005,784, C>A on the plus strand (G>T on the coding strand, the complement: APOB is on the minus strand). VCF-style: chr2-21005784-C-A. GRCh37 (hg19) VCF-style: chr2-21228656-C-A.
Other names: short protein forms S3695I.
Identifiers: ClinVar variation 4075681 (VCV004075681.1).

ClinVar aggregate classification (germline): Uncertain significance (1 of 4 stars; one submission).

Submission:

GeneDx
Classification: Uncertain significance. Last evaluated: 2025-02-13. Review status: criteria provided, single submitter. Criteria: GeneDx Variant Classification Process June 2021. Collection method: clinical testing. Allele origin: germline. Affected: yes.
Comment: Not observed at significant frequency in large population cohorts (gnomAD); In silico analysis supports that this missense variant has a deleterious effect on protein structure/function; Has not been previously published as pathogenic or benign to our knowledge